The following is an entry in ClinVar:

NM_020921.4(NIN):c.5351G>A (p.Arg1784Gln)

Gene: NIN (ninein; minus strand). Cytogenetic location: 14q22.1.
Variant type: single nucleotide variant.
Coding change: c.5351G>A on transcript NM_020921.4 (MANE Select); coding-DNA position 5351, G replaced by A.
Protein change: p.Arg1784Gln; replaces arginine 1784 with glutamine.
Molecular consequence: missense variant.
Genome position (GRCh38, 1-based): chr14:50,741,679, C>T on the plus strand (G>A on the coding strand, the complement: NIN is on the minus strand). VCF-style: chr14-50741679-C-T. GRCh37 (hg19) VCF-style: chr14-51208397-C-T.
Other names: c.5351G>A (NM_020921.3); c.3212G>A, p.Arg1071Gln (NM_016350.5); c.5351G>A, p.Arg1784Gln (NM_182944.3, NM_182946.2); short protein forms R1071Q, R1784Q.
Identifiers: ClinVar variation 2196067 (VCV002196067.5), dbSNP rs371633643, ClinGen allele CA7181308.
Genomic context (GRCh38, chr14:50,741,679, plus strand): 5'-ATCACTTCTTGTTTTAAAGCCTCCTTTTCCTGCTGAGTCACTCGTAGGTCAGATTTCATC[C>T]GGGACATTTGCAGGTTTACATTCTGCACGGTGTCTTCTAAATTCTGAACCTGTATTGTGA-3'
Protein context (NP_065972.4, residues 1774-1794): TVQNVNLQMS[Arg1784Gln]MKSDLRVTQQ

ClinVar aggregate classification (germline): Conflicting classifications of pathogenicity. Review status: criteria provided, conflicting classifications (1 of 4 stars). 2 submissions from 2 submitters: Uncertain significance (1); Likely benign (1). Last evaluated 2025-10-26.

Allele frequency attached by ClinVar (database versions not stated): gnomAD 0.00007; ESP Exome Variant Server 0.00008; ExAC 0.00010; TOPMed 0.00011; 1000 Genomes Project 30x 0.00016; 1000 Genomes Project 0.00020.

Submissions (2):

Labcorp Genetics (formerly Invitae), Labcorp
Classification: Uncertain significance. Last evaluated: 2025-10-26. Review status: criteria provided, single submitter. Criteria: Invitae Variant Classification Sherloc (09022015). Collection method: clinical testing. Allele origin: germline.
Comment: This sequence change replaces arginine, which is basic and polar, with glutamine, which is neutral and polar, at codon 1784 of the NIN protein (p.Arg1784Gln). This variant is present in population databases (rs371633643, gnomAD 0.03%). This variant has not been reported in the literature in individuals affected with NIN-related conditions. ClinVar contains an entry for this variant (Variation ID: 2196067). An algorithm developed to predict the effect of missense changes on protein structure and function outputs the following: PolyPhen-2: "Benign". The glutamine amino acid residue is found in multiple mammalian species, which suggests that this missense change does not adversely affect protein function. In summary, the available evidence is currently insufficient to determine the role of this variant in disease. Therefore, it has been classified as a Variant of Uncertain Significance.

Ambry Genetics
Classification: Likely benign. Last evaluated: 2022-12-21. Review status: criteria provided, single submitter. Criteria: Ambry Variant Classification Scheme 2023. Collection method: clinical testing. Allele origin: germline.